The following is an entry in ClinVar:

NM_001323289.2(CDKL5):c.2496+7G>T

Gene: CDKL5 (cyclin dependent kinase like 5; plus strand). Cytogenetic location: Xp22.13.
Variant type: single nucleotide variant.
Coding change: c.2496+7G>T on transcript NM_001323289.2 (MANE Select); 7 bases into the intron after coding-DNA position 2496, G replaced by T.
Molecular consequence: intron variant.
Genome position (GRCh38, 1-based): chrX:18,625,254, G>T. VCF-style: chrX-18625254-G-T. GRCh37 (hg19) VCF-style: chrX-18643374-G-T.
Other names: c.2496+7G>T (NM_003159.3, NM_001037343.2).
Identifiers: ClinVar variation 4534899 (VCV004534899.6).

ClinVar aggregate classification (germline): Uncertain significance (1 of 4 stars; one submission).

Submission:

CeGaT Center for Human Genetics Tuebingen
Classification: Uncertain significance. Last evaluated: 2025-10-01. Review status: criteria provided, single submitter. Criteria: CeGaT Center For Human Genetics Tuebingen Variant Classification Criteria Version 2. Collection method: clinical testing. Allele origin: germline. Affected: yes. Observed: 1 variant allele.
Comment: CDKL5: PM2, BP4